The following is an entry in ClinVar:

NM_001003699.4(RREB1):c.385G>C (p.Val129Leu)

Gene: RREB1 (ras responsive element binding protein 1; plus strand). Cytogenetic location: 6p24.3.
Variant type: single nucleotide variant.
Coding change: c.385G>C on transcript NM_001003699.4 (MANE Select); coding-DNA position 385, G replaced by C.
Protein change: p.Val129Leu; replaces valine 129 with leucine.
Molecular consequence: missense variant.
Genome position (GRCh38, 1-based): chr6:7,189,282, G>C. VCF-style: chr6-7189282-G-C. GRCh37 (hg19) VCF-style: chr6-7189515-G-C.
Other names: c.385G>C, p.Val129Leu (NM_001003698.4, NM_001003700.2, NM_001168344.2); short protein forms V129L.
Identifiers: ClinVar variation 4055796 (VCV004055796.1).

ClinVar aggregate classification (germline): Uncertain significance (1 of 4 stars; one submission).

Submission:

GeneDx
Classification: Uncertain significance. Last evaluated: 2023-01-03. Review status: criteria provided, single submitter. Criteria: GeneDx Variant Classification Process June 2021. Collection method: clinical testing. Allele origin: germline. Affected: yes.
Comment: Not observed at significant frequency in large population cohorts (gnomAD); In silico analysis supports that this missense variant does not alter protein structure/function; Has not been previously published as pathogenic or benign to our knowledge; Variants in candidate genes are classified as variants of uncertain significance in accordance with ACMG guidelines (Richards et al., 2015)